The following is an entry in ClinVar:

ClinVar aggregate classification (germline): Pathogenic. Review status: criteria provided, multiple submitters, no conflicts (2 of 4 stars). 2 submissions from 2 submitters: Pathogenic (2). Last evaluated 2025-07-14.

Conditions:
Medium-chain acyl-coenzyme A dehydrogenase deficiency (ACADMD). Also called: Medium chain acyl-CoA dehydrogenase deficiency; ACADM DEFICIENCY; MCADD; MCAD Deficiency; MCADH DEFICIENCY; CARNITINE DEFICIENCY SECONDARY TO MEDIUM-CHAIN ACYL-CoA DEHYDROGENASE DEFICIENCY. Identifiers: Orphanet 42, MedGen C0220710, MONDO:0008721, OMIM 201450.

Allele frequency attached by ClinVar (database versions not stated): gnomAD exomes below 0.00001.
gnomAD v4.1: 2 of 1,614,202 alleles (0.00012%); highest among the groups gnomAD compares: Non-Finnish European, 0.00017%; no homozygotes.

Submissions (2):

Women's Health and Genetics/Laboratory Corporation of America, LabCorp
Classification: Pathogenic for Medium-chain acyl-coenzyme A dehydrogenase deficiency. Last evaluated: 2025-07-14. Review status: criteria provided, single submitter. Criteria: LabCorp Variant Classification Summary - May 2015. Collection method: clinical testing. Allele origin: germline.
Comment: Variant summary: ACADM c.1067T>C (p.Ile356Thr) results in a non-conservative amino acid change located in the Acyl-CoA dehydrogenase C-terminal domain-like region (IPR036250) of the encoded protein sequence. Algorithms developed to predict the effect of missense changes on protein structure and function all suggest that this variant is likely to be disruptive. The variant was absent in 251324 control chromosomes. c.1067T>C has been observed in at-least one individual affected with Medium Chain Acyl-CoA Dehydrogenase Deficiency (example, Maier_2005). At least one publication reports experimental evidence evaluating an impact on protein function. The most pronounced variant effect results in a complete loss of protein function due to aggregation exclusively high molecular weight aggregates in vitro (Maier_2009). At least one variant at the Ile356 residue has been reported as associated with disease (c.1066A>G, p.Ile356Val, Likely Pathogenic in ClinVar), suggesting that this codon is functionally important. The following publications have been ascertained in the context of this evaluation (PMID: 19224950, 15832312). ClinVar contains an entry for this variant (Variation ID: 1356922). Based on the evidence outlined above, the variant was classified as pathogenic.

Labcorp Genetics (formerly Invitae), Labcorp
Classification: Pathogenic for Medium-chain acyl-coenzyme A dehydrogenase deficiency. Last evaluated: 2022-08-16. Review status: criteria provided, single submitter. Criteria: Invitae Variant Classification Sherloc (09022015). Collection method: clinical testing. Allele origin: germline.
Comment: This missense change has been observed in individual(s) with medium-chain acyl-CoA dehydrogenase deficiency (PMID: 15832312). This variant is not present in population databases (gnomAD no frequency). This sequence change replaces isoleucine, which is neutral and non-polar, with threonine, which is neutral and polar, at codon 356 of the ACADM protein (p.Ile356Thr). Experimental studies have shown that this missense change affects ACADM function (PMID: 15832312). Advanced modeling of protein sequence and biophysical properties (such as structural, functional, and spatial information, amino acid conservation, physicochemical variation, residue mobility, and thermodynamic stability) performed at Invitae indicates that this missense variant is expected to disrupt ACADM protein function. ClinVar contains an entry for this variant (Variation ID: 1356922). This variant is also known as p.Ile331Thr. For these reasons, this variant has been classified as Pathogenic. This variant disrupts the p.Ile356 amino acid residue in ACADM. Other variant(s) that disrupt this residue have been observed in individuals with ACADM-related conditions (PMID: 22630369), which suggests that this may be a clinically significant amino acid residue.

Literature cited by the submitters: PubMed 15832312 (cited by Women's Health and Genetics/Laboratory Corporation of America, LabCorp and Labcorp Genetics (formerly Invitae), Labcorp); PubMed 19224950 (cited by Women's Health and Genetics/Laboratory Corporation of America, LabCorp); PubMed 22630369 (cited by Labcorp Genetics (formerly Invitae), Labcorp).

NM_000016.6(ACADM):c.1067T>C (p.Ile356Thr)

Gene: ACADM (acyl-CoA dehydrogenase medium chain; plus strand). Cytogenetic location: 1p31.1.
Variant type: single nucleotide variant.
Coding change: c.1067T>C on transcript NM_000016.6 (MANE Select); coding-DNA position 1067, T replaced by C.
Protein change: p.Ile356Thr; replaces isoleucine 356 with threonine.
Molecular consequence: missense variant.
Genome position (GRCh38, 1-based): chr1:75,761,243, T>C. VCF-style: chr1-75761243-T-C. GRCh37 (hg19) VCF-style: chr1-76226928-T-C.
Other names: c.1079T>C, p.Ile360Thr (NM_001127328.3); c.959T>C, p.Ile320Thr (NM_001286042.2); c.1166T>C, p.Ile389Thr (NM_001286043.2); c.500T>C, p.Ile167Thr (NM_001286044.2); short protein forms I167T, I320T, I356T, I360T, I389T.
Identifiers: ClinVar variation 1356922 (VCV001356922.9), dbSNP rs2100453278, ClinGen allele CA340818099.